The following is an entry in ClinVar:

ClinVar aggregate classification (germline): Likely benign. Review status: criteria provided, single submitter (1 of 4 stars). 2 submissions from 2 submitters: Likely benign (1). 1 of the submissions does not count toward it. Last evaluated 2024-08-08.

Conditions:
EIF2B5-related disorder. Also called: EIF2B5-related condition.

Submissions (2):

Labcorp Genetics (formerly Invitae), Labcorp
Classification: Likely benign. Last evaluated: 2024-08-08. Review status: criteria provided, single submitter. Criteria: Invitae Variant Classification Sherloc (09022015). Collection method: clinical testing. Allele origin: germline.

PreventionGenetics, part of Exact Sciences
Classification: Likely benign for EIF2B5-related condition. Last evaluated: 2024-06-21. Review status: no assertion criteria provided. Collection method: clinical testing. Allele origin: germline. Not counted in ClinVar's aggregate classification.
Comment: This variant is classified as likely benign based on ACMG/AMP sequence variant interpretation guidelines (Richards et al. 2015 PMID: 25741868, with internal and published modifications).

NM_003907.3(EIF2B5):c.81C>T (p.Ser27=)

Genes: EIF2B5 (eukaryotic translation initiation factor 2B subunit epsilon; plus strand), LOC129938041 (ATAC-STARR-seq lymphoblastoid silent region 14954; plus strand). Cytogenetic location: 3q27.1.
Variant type: single nucleotide variant.
Coding change: c.81C>T on transcript NM_003907.3 (MANE Select); coding-DNA position 81, C replaced by T.
Protein change: p.Ser27=; no amino-acid change (serine 27 retained).
Molecular consequence: synonymous variant.
Genome position (GRCh38, 1-based): chr3:184,135,466, C>T. VCF-style: chr3-184135466-C-T. GRCh37 (hg19) VCF-style: chr3-183853254-C-T.
Other names: c.81C>T (NM_003907.2).
Identifiers: ClinVar variation 1933452 (VCV001933452.6), dbSNP rs950072564, ClinGen allele CA437145410.